The following is an entry in ClinVar:

ClinVar aggregate classification (germline): Likely benign. Review status: criteria provided, single submitter (1 of 4 stars). 2 submissions from 2 submitters: Likely benign (1). 1 of the submissions does not count toward it. Last evaluated 2018-07-06.

Conditions:
ATP11A-related disorder. Also called: ATP11A-related condition.

Allele frequency attached by ClinVar (database versions not stated): ExAC 0.00029; TOPMed 0.00115; 1000 Genomes Project 30x 0.00109; ESP Exome Variant Server 0.00108; gnomAD exomes 0.00010 and 0.00025; gnomAD 0.00096 and 0.00106; 1000 Genomes Project 0.00120.
gnomAD v4.1: 287 of 1,612,962 alleles (0.018%); highest among the groups gnomAD compares: African/African-American, 0.33%; no homozygotes.

Submissions (2):

Labcorp Genetics (formerly Invitae), Labcorp
Classification: Likely benign. Last evaluated: 2018-07-06. Review status: criteria provided, single submitter. Criteria: Invitae Variant Classification Sherloc (09022015). Collection method: clinical testing. Allele origin: germline.

PreventionGenetics, part of Exact Sciences
Classification: Likely benign for ATP11A-related condition. Last evaluated: 2023-05-10. Review status: no assertion criteria provided. Collection method: clinical testing. Allele origin: germline. Not counted in ClinVar's aggregate classification.
Comment: This variant is classified as likely benign based on ACMG/AMP sequence variant interpretation guidelines (Richards et al. 2015 PMID: 25741868, with internal and published modifications).

NM_015205.3(ATP11A):c.1538C>T (p.Ala513Val)

Gene: ATP11A (ATPase phospholipid transporting 11A; plus strand). Cytogenetic location: 13q34.
Variant type: single nucleotide variant.
Coding change: c.1538C>T on transcript NM_015205.3 (MANE Select); coding-DNA position 1538, C replaced by T.
Protein change: p.Ala513Val; replaces alanine 513 with valine.
Molecular consequence: missense variant.
Genome position (GRCh38, 1-based): chr13:112,833,002, C>T. VCF-style: chr13-112833002-C-T. GRCh37 (hg19) VCF-style: chr13-113487316-C-T.
Other names: c.1538C>T, p.Ala513Val (NM_032189.4); short protein forms A513V.
Identifiers: ClinVar variation 720492 (VCV000720492.5), dbSNP rs151067179, ClinGen allele CA7056815.
Genomic context (GRCh38, chr13:112,833,002, plus strand): 5'-GGAAATCGCCGGACGGGGGGAAATCCTGTGTGTACATCTCATCCTCGCCCGACGAGGTGG[C>T]GCTGGTCGAAGGTGTCCAGAGGTACGTCGCGGGCCAAGGGTCTGCCTGGGTTTCCTGATG-3'
Protein context (NP_056020.2, residues 503-523): VYISSSPDEV[Ala513Val]LVEGVQRLGF